The following is an entry in ClinVar:

NM_022720.7(DGCR8):c.2028C>T (p.Ala676=)

Gene: DGCR8 (DGCR8 microprocessor complex subunit; plus strand). Cytogenetic location: 22q11.21.
Variant type: single nucleotide variant.
Coding change: c.2028C>T on transcript NM_022720.7 (MANE Select); coding-DNA position 2028, C replaced by T.
Protein change: p.Ala676=; no amino-acid change (alanine 676 retained).
Molecular consequence: synonymous variant.
Genome position (GRCh38, 1-based): chr22:20,107,302, C>T. VCF-style: chr22-20107302-C-T. GRCh37 (hg19) VCF-style: chr22-20094825-C-T.
Other names: c.1929C>T, p.Ala643= (NM_001190326.2).
Identifiers: ClinVar variation 3048137 (VCV003048137.2), dbSNP rs146678770, ClinGen allele CA10107183.

ClinVar aggregate classification (germline): Likely benign (0 of 4 stars; one submission).

Conditions:
DGCR8-related disorder. Also called: DGCR8-related condition.

Allele frequency attached by ClinVar (database versions not stated): gnomAD exomes 0.00006; ExAC 0.00021; 1000 Genomes Project 30x 0.00031; 1000 Genomes Project 0.00040; gnomAD 0.00058; TOPMed 0.00070; ESP Exome Variant Server 0.00100.
gnomAD v4.1: 177 of 1,614,176 alleles (0.011%); highest among the groups gnomAD compares: African/African-American, 0.21%; no homozygotes.

Submission:

PreventionGenetics, part of Exact Sciences
Classification: Likely benign for DGCR8-related condition. Last evaluated: 2021-05-12. Review status: no assertion criteria provided. Collection method: clinical testing. Allele origin: germline.
Comment: This variant is classified as likely benign based on ACMG/AMP sequence variant interpretation guidelines (Richards et al. 2015 PMID: 25741868, with internal and published modifications).